The following is an entry in ClinVar:

ClinVar aggregate classification (germline): Uncertain significance. Review status: criteria provided, multiple submitters, no conflicts (2 of 4 stars). 3 submissions from 3 submitters: Uncertain significance (3). Last evaluated 2026-08-07.

Conditions:
COL9A3-related disorder. Also called: COL9A3-related condition.

Allele frequency attached by ClinVar (database versions not stated): 1000 Genomes Project 30x 0.00094; 1000 Genomes Project 0.00100.
gnomAD v4.1: 19 of 1,612,904 alleles (0.0012%); highest among the groups gnomAD compares: African/African-American, 0.02%; no homozygotes.

Submissions (3):

PreventionGenetics, part of Exact Sciences
Classification: Uncertain significance for COL9A3-related condition. Last evaluated: 2026-08-07. Review status: criteria provided, single submitter. Criteria: ACMG Guidelines, 2015. Collection method: clinical testing. Allele origin: germline.
Comment: The COL9A3 c.183G>C variant is not predicted to result in an amino acid change (p.=). This variant is predicted to impact splicing according to one splicing algorithm (SpliceAI, Jaganathan et al. 2019. PubMed ID: 30661751). To our knowledge, this variant has not been reported in the literature. This variant is reported in 0.025% of alleles in individuals of African descent in gnomAD. At this time, the clinical significance of this variant is uncertain due to the absence of conclusive functional and genetic evidence.

Labcorp Genetics (formerly Invitae), Labcorp
Classification: Uncertain significance. Last evaluated: 2025-07-31. Review status: criteria provided, single submitter. Criteria: Invitae Variant Classification Sherloc (09022015). Collection method: clinical testing. Allele origin: germline.
Comment: This sequence change affects codon 61 of the COL9A3 mRNA. It is a 'silent' change, meaning that it does not change the encoded amino acid sequence of the COL9A3 protein. This variant also falls at the last nucleotide of exon 3, which is part of the consensus splice site for this exon. This variant is present in population databases (rs567371176, gnomAD 0.03%). This variant has not been reported in the literature in individuals affected with COL9A3-related conditions. ClinVar contains an entry for this variant (Variation ID: 1059187). Variants that disrupt the consensus splice site are a relatively common cause of aberrant splicing (PMID: 17576681, 9536098). Algorithms developed to predict the effect of sequence changes on RNA splicing suggest that this variant may disrupt the consensus splice site. In summary, the available evidence is currently insufficient to determine the role of this variant in disease. Therefore, it has been classified as a Variant of Uncertain Significance.

Blueprint Genetics
Classification: Uncertain significance. Last evaluated: 2023-12-08. Review status: criteria provided, single submitter. Criteria: ACMG Guidelines, 2015. Collection method: clinical testing. Allele origin: germline.

Literature cited by the submitters: PubMed 17576681 (cited by Labcorp Genetics (formerly Invitae), Labcorp); PubMed 9536098 (cited by Labcorp Genetics (formerly Invitae), Labcorp).

NM_001853.4(COL9A3):c.183G>C (p.Pro61=)

Gene: COL9A3 (collagen type IX alpha 3 chain; plus strand). Cytogenetic location: 20q13.33.
Variant type: single nucleotide variant.
Coding change: c.183G>C on transcript NM_001853.4 (MANE Select); coding-DNA position 183, G replaced by C.
Protein change: p.Pro61=; no amino-acid change (proline 61 retained).
Molecular consequence: synonymous variant.
Genome position (GRCh38, 1-based): chr20:62,818,553, G>C. VCF-style: chr20-62818553-G-C. GRCh37 (hg19) VCF-style: chr20-61449905-G-C.
Other names: c.183G>C (NM_001853.3).
Identifiers: ClinVar variation 1059187 (VCV001059187.11), dbSNP rs567371176, ClinGen allele CA9949043.
Genomic context (GRCh38, chr20:62,818,553, plus strand): 5'-TACATGTGGGTGTCTTTCCTCACAGGGAGAAGCTGGTCCTCCAGGTCTGCCTGGGCCCCC[G>C]GTGAGTGTCCCTGGCTGGGGAGACAGCCTTTTTCCAGTCTGGAGAGAAAGGGGGAACTCA-3'
Protein context (NP_001844.3, residues 51-71): EAGPPGLPGP[Pro61=]GPKGAPGKPG